The following is an entry in ClinVar:

ClinVar aggregate classification (germline): Likely benign. Review status: criteria provided, multiple submitters, no conflicts (2 of 4 stars). 4 submissions from 4 submitters: Likely benign (3). 1 of the submissions does not count toward it. Last evaluated 2026-08-01.

Conditions:
TTN-related disorder. Also called: TTN-related disorders; TTN-related condition; TTN-related disease.

Allele frequency attached by ClinVar (database versions not stated): TOPMed 0.00005; gnomAD 0.00011 and 0.00003; gnomAD exomes 0.00043; ExAC 0.00046; 1000 Genomes Project 30x 0.00016; 1000 Genomes Project 0.00020.
gnomAD v4.1: 356 of 1,613,228 alleles (0.022%); highest among the groups gnomAD compares: South Asian, 0.32%; 3 homozygotes.

Submissions (4):

CeGaT Center for Human Genetics Tuebingen
Classification: Likely benign. Last evaluated: 2026-08-01. Review status: criteria provided, single submitter. Criteria: CeGaT Center For Human Genetics Tuebingen Variant Classification Criteria Version 2. Collection method: clinical testing. Allele origin: germline. Affected: yes. Observed: 5 variant alleles.
Comment: TTN: BP4, BP7

Blueprint Genetics
Classification: Likely benign. Last evaluated: 2024-10-23. Review status: criteria provided, single submitter. Criteria: ACMG Guidelines, 2015. Collection method: clinical testing. Allele origin: germline.

Laboratory for Molecular Medicine, Mass General Brigham Personalized Medicine
Classification: Likely benign. Last evaluated: 2012-06-11. Review status: criteria provided, single submitter. Criteria: LMM Criteria. Collection method: clinical testing. Allele origin: germline. Observed: 1 variant allele.
Comment: Pro5407Pro in exon 45A of TTN: This variant is not expected to have clinical sig nificance because it does not alter an amino acid residue and is not located wit hin the splice consensus sequence. Pro5407Pro in exon 45A of TTN (allele freque ncy = n/a)

PreventionGenetics, part of Exact Sciences
Classification: Likely benign for TTN-related condition. Last evaluated: 2019-08-07. Review status: no assertion criteria provided. Collection method: clinical testing. Allele origin: germline. Not counted in ClinVar's aggregate classification.
Comment: This variant is classified as likely benign based on ACMG/AMP sequence variant interpretation guidelines (Richards et al. 2015 PMID: 25741868, with internal and published modifications).

NM_133379.5(TTN):c.16221G>A (p.Pro5407=)

Gene: TTN (titin; minus strand). Cytogenetic location: 2q31.2.
Variant type: single nucleotide variant.
Coding change: c.16221G>A on transcript NM_133379.5; coding-DNA position 16221, G replaced by A.
Protein change: p.Pro5407=; no amino-acid change (proline 5407 retained).
Molecular consequence: synonymous variant. On other transcripts: intron variant (6).
Genome position (GRCh38, 1-based): chr2:178,746,179, C>T on the plus strand (G>A on the coding strand, the complement: TTN is on the minus strand). VCF-style: chr2-178746179-C-T. GRCh37 (hg19) VCF-style: chr2-179610906-C-T.
Other names: c.10223-4258G>A (NM_003319.4); c.10799-4258G>A (NM_133437.4); c.10598-4258G>A (NM_133432.3); c.10360+6945G>A (NM_133378.4); c.10361-4258G>A (NM_001256850.1); c.11312-4258G>A (NM_001267550.2); c.16221G>A (NM_133379.4).
Identifiers: ClinVar variation 47797 (VCV000047797.31), dbSNP rs397517819, ClinGen allele CA141922.